The following is an entry in ClinVar:

ClinVar aggregate classification (germline): Uncertain significance (1 of 4 stars; one submission).

Submission:

Labcorp Genetics (formerly Invitae), Labcorp
Classification: Uncertain significance. Last evaluated: 2022-09-27. Review status: criteria provided, single submitter. Criteria: Invitae Variant Classification Sherloc (09022015). Collection method: clinical testing. Allele origin: germline.
Comment: This variant is not present in population databases (gnomAD no frequency). This sequence change replaces serine, which is neutral and polar, with isoleucine, which is neutral and non-polar, at codon 1285 of the RIMS1 protein (p.Ser1285Ile). This variant has not been reported in the literature in individuals affected with RIMS1-related conditions. Algorithms developed to predict the effect of missense changes on protein structure and function are either unavailable or do not agree on the potential impact of this missense change (SIFT: "Deleterious"; PolyPhen-2: "Benign"; Align-GVGD: "Class C65"). In summary, the available evidence is currently insufficient to determine the role of this variant in disease. Therefore, it has been classified as a Variant of Uncertain Significance.

NM_014989.7(RIMS1):c.3854G>T (p.Ser1285Ile)

Gene: RIMS1 (regulating synaptic membrane exocytosis 1; plus strand). Cytogenetic location: 6q13.
Variant type: single nucleotide variant.
Coding change: c.3854G>T on transcript NM_014989.7 (MANE Select); coding-DNA position 3854, G replaced by T.
Protein change: p.Ser1285Ile; replaces serine 1285 with isoleucine.
Molecular consequence: missense variant. On other transcripts: intron variant (24).
Genome position (GRCh38, 1-based): chr6:72,307,261, G>T. VCF-style: chr6-72307261-G-T. GRCh37 (hg19) VCF-style: chr6-73016964-G-T.
Other names: c.1814G>T, p.Ser605Ile (NM_001168407.2); c.1775G>T, p.Ser592Ile (NM_001350414.2); c.1898G>T, p.Ser633Ile (NM_001350415.2); c.1847G>T, p.Ser616Ile (NM_001350416.2); c.1820G>T, p.Ser607Ile (NM_001350418.2); c.1928G>T, p.Ser643Ile (NM_001350420.2); c.1673G>T, p.Ser558Ile (NM_001350421.2); c.1589G>T, p.Ser530Ile (NM_001350423.2, NM_001350444.2); and 51 more; short protein forms S500I, S501I, S554I, S605I, S616I, S634I, S643I, S666I.
Identifiers: ClinVar variation 1992443 (VCV001992443.4), dbSNP rs2552194463, ClinGen allele CA364690116.